The following is an entry in ClinVar:

NM_001365999.1(SZT2):c.3016C>T (p.Gln1006Ter)

Gene: SZT2 (SZT2 subunit of KICSTOR complex; plus strand). Cytogenetic location: 1p34.2.
Variant type: single nucleotide variant.
Coding change: c.3016C>T on transcript NM_001365999.1 (MANE Select); coding-DNA position 3016, C replaced by T.
Protein change: p.Gln1006Ter; replaces glutamine 1006 with a stop codon.
Molecular consequence: nonsense.
Genome position (GRCh38, 1-based): chr1:43,426,124, C>T. VCF-style: chr1-43426124-C-T. GRCh37 (hg19) VCF-style: chr1-43891795-C-T.
Other names: c.3016C>T, p.Gln1006Ter (NM_015284.4); short protein forms Q1006*.
Identifiers: ClinVar variation 4725351 (VCV004725351.1).

ClinVar aggregate classification (germline): Pathogenic (1 of 4 stars; one submission).

Submission:

Labcorp Genetics (formerly Invitae), Labcorp
Classification: Pathogenic. Last evaluated: 2025-08-13. Review status: criteria provided, single submitter. Criteria: Invitae Variant Classification Sherloc (09022015). Collection method: clinical testing. Allele origin: germline.
Comment: This sequence change creates a premature translational stop signal (p.Gln1006*) in the SZT2 gene. It is expected to result in an absent or disrupted protein product. Loss-of-function variants in SZT2 are known to be pathogenic (PMID: 23932106, 27248490, 28556953). This variant is not present in population databases (gnomAD no frequency). This variant has not been reported in the literature in individuals affected with SZT2-related conditions. For these reasons, this variant has been classified as Pathogenic.

Literature cited by the submitters: PubMed 23932106; PubMed 27248490; PubMed 28556953.